The following is an entry in ClinVar:

ClinVar aggregate classification (germline): Uncertain significance. Review status: criteria provided, multiple submitters, no conflicts (2 of 4 stars). 2 submissions from 2 submitters: Uncertain significance (2). Last evaluated 2025-08-20.

Conditions:
Progressive sclerosing poliodystrophy (MTDPS4A). Also called: NEURONAL DEGENERATION OF CHILDHOOD WITH LIVER DISEASE, PROGRESSIVE; ALPERS PROGRESSIVE INFANTILE POLIODYSTROPHY; Alpers-Huttenlocher Syndrome (AHS); Mitochondrial DNA depletion syndrome 4A (Alpers type); Mitochondrial DNA Depletion Syndrome 4A; Alpers Syndrome. Identifiers: Orphanet 726, MedGen C0205710, MONDO:0008758, OMIM 203700.

gnomAD v4.1: 1 of 1,575,732 alleles (0.000063%); no homozygotes.

Submissions (2):

Labcorp Genetics (formerly Invitae), Labcorp
Classification: Uncertain significance for Progressive sclerosing poliodystrophy. Last evaluated: 2025-08-20. Review status: criteria provided, single submitter. Criteria: Invitae Variant Classification Sherloc (09022015). Collection method: clinical testing. Allele origin: germline.
Comment: This sequence change replaces glutamic acid, which is acidic and polar, with aspartic acid, which is acidic and polar, at codon 183 of the POLG protein (p.Glu183Asp). This variant is not present in population databases (gnomAD no frequency). This variant has not been reported in the literature in individuals affected with POLG-related conditions. ClinVar contains an entry for this variant (Variation ID: 449176). Invitae Evidence Modeling of protein sequence and biophysical properties (such as structural, functional, and spatial information, amino acid conservation, physicochemical variation, residue mobility, and thermodynamic stability) indicates that this missense variant is not expected to disrupt POLG protein function with a negative predictive value of 95%. In summary, the available evidence is currently insufficient to determine the role of this variant in disease. Therefore, it has been classified as a Variant of Uncertain Significance.

GeneDx
Classification: Uncertain significance. Last evaluated: 2024-08-18. Review status: criteria provided, single submitter. Criteria: GeneDx Variant Classification Process June 2021. Collection method: clinical testing. Allele origin: germline. Affected: yes.
Comment: Not observed at significant frequency in large population cohorts (gnomAD); In silico analysis indicates that this missense variant does not alter protein structure/function; Has not been previously published as pathogenic or benign to our knowledge

NM_002693.3(POLG):c.549G>C (p.Glu183Asp)

Genes: POLGARF (POLG alternative reading frame; minus strand), POLG (DNA polymerase gamma, catalytic subunit; minus strand). Cytogenetic location: 15q26.1.
Variant type: single nucleotide variant.
Coding change: c.549G>C on transcript NM_002693.3 (MANE Select); coding-DNA position 549, G replaced by C.
Protein change: p.Glu183Asp; replaces glutamic acid 183 with aspartic acid.
Molecular consequence: missense variant.
Genome position (GRCh38, 1-based): chr15:89,333,206, C>G on the plus strand (G>C on the coding strand, the complement: POLG is on the minus strand). VCF-style: chr15-89333206-C-G. GRCh37 (hg19) VCF-style: chr15-89876437-C-G.
Other names: c.549G>C, p.Glu183Asp (NM_001126131.2); short protein forms E183D.
Identifiers: ClinVar variation 449176 (VCV000449176.8), dbSNP rs1555454267, ClinGen allele CA393770900.